The following is an entry in ClinVar:

NM_005993.5(TBCD):c.2300C>T (p.Pro767Leu)

Gene: TBCD (tubulin folding cofactor D). Cytogenetic location: 17q25.3.
Variant type: single nucleotide variant.
Coding change: c.2300C>T on transcript NM_005993.5 (MANE Select); coding-DNA position 2300, C replaced by T.
Protein change: p.Pro767Leu; replaces proline 767 with leucine.
Molecular consequence: missense variant.
Genome position (GRCh38, 1-based): chr17:82,924,978, C>T. VCF-style: chr17-82924978-C-T. GRCh37 (hg19) VCF-style: chr17-80882854-C-T.
Other names: short protein forms P767L.
Identifiers: ClinVar variation 1419389 (VCV001419389.3), dbSNP rs1247310580, ClinGen allele CA401633359.

ClinVar aggregate classification (germline): Uncertain significance (1 of 4 stars; one submission).

Allele frequency attached by ClinVar (database versions not stated): gnomAD 0.00001.
gnomAD v4.1: 1 of 1,575,024 alleles (0.000063%); highest among the groups gnomAD compares: East Asian, 0.0023%; no homozygotes.

Submission:

Labcorp Genetics (formerly Invitae), Labcorp
Classification: Uncertain significance. Last evaluated: 2021-12-02. Review status: criteria provided, single submitter. Criteria: Invitae Variant Classification Sherloc (09022015). Collection method: clinical testing. Allele origin: germline.
Comment: This sequence change replaces proline, which is neutral and non-polar, with leucine, which is neutral and non-polar, at codon 767 of the TBCD protein (p.Pro767Leu). This variant is present in population databases (no rsID available, gnomAD 0.06%). This variant has not been reported in the literature in individuals affected with TBCD-related conditions. Algorithms developed to predict the effect of missense changes on protein structure and function (SIFT, PolyPhen-2, Align-GVGD) all suggest that this variant is likely to be tolerated. In summary, the available evidence is currently insufficient to determine the role of this variant in disease. Therefore, it has been classified as a Variant of Uncertain Significance.